The following is an entry in ClinVar:

ClinVar aggregate classification (germline): Uncertain significance (1 of 4 stars; one submission).

Allele frequency attached by ClinVar (database versions not stated): gnomAD exomes below 0.00001.

Submission:

GeneDx
Classification: Uncertain significance. Last evaluated: 2023-03-31. Review status: criteria provided, single submitter. Criteria: GeneDx Variant Classification Process June 2021. Collection method: clinical testing. Allele origin: germline. Affected: yes.
Comment: Not observed at significant frequency in large population cohorts (gnomAD); In silico analysis supports that this missense variant does not alter protein structure/function; Has not been previously published as pathogenic or benign to our knowledge

NM_001130004.2(ACTN1):c.391A>G (p.Ile131Val)

Gene: ACTN1 (actinin alpha 1; minus strand). Cytogenetic location: 14q24.1.
Variant type: single nucleotide variant.
Coding change: c.391A>G on transcript NM_001130004.2 (MANE Select); coding-DNA position 391, A replaced by G.
Protein change: p.Ile131Val; replaces isoleucine 131 with valine.
Molecular consequence: missense variant.
Genome position (GRCh38, 1-based): chr14:68,912,192, T>C on the plus strand (A>G on the coding strand, the complement: ACTN1 is on the minus strand). VCF-style: chr14-68912192-T-C. GRCh37 (hg19) VCF-style: chr14-69378909-T-C.
Other names: c.391A>G, p.Ile131Val (NM_001102.4, NM_001130005.2, NM_001411035.1 and 9 more transcripts); c.196A>G, p.Ile66Val (NM_001411036.1, NM_001424026.1, NM_001424028.1); c.517A>G, p.Ile173Val (NM_001424013.1); c.478A>G, p.Ile160Val (NM_001424015.1); c.388A>G, p.Ile130Val (NM_001424017.1); c.328A>G, p.Ile110Val (NM_001424018.1, NM_001424020.1, NM_001424022.1); c.322A>G, p.Ile108Val (NM_001424021.1); c.-520A>G (NM_001424030.1); short protein forms I108V, I110V, I130V, I131V, I160V, I173V, I66V.
Identifiers: ClinVar variation 2582163 (VCV002582163.1), dbSNP rs2503964848, ClinGen allele CA390192077.